The following is an entry in ClinVar:

NM_001199107.2(TBC1D24):c.333G>T (p.Glu111Asp)

Gene: TBC1D24 (TBC1 domain family member 24; plus strand). Cytogenetic location: 16p13.3.
Variant type: single nucleotide variant.
Coding change: c.333G>T on transcript NM_001199107.2 (MANE Select); coding-DNA position 333, G replaced by T.
Protein change: p.Glu111Asp; replaces glutamic acid 111 with aspartic acid.
Molecular consequence: missense variant.
Genome position (GRCh38, 1-based): chr16:2,496,481, G>T. VCF-style: chr16-2496481-G-T. GRCh37 (hg19) VCF-style: chr16-2546482-G-T.
Other names: c.333G>T, p.Glu111Asp (NM_020705.3); short protein forms E111D.
Identifiers: ClinVar variation 1718703 (VCV001718703.6), dbSNP rs749237671, ClinGen allele CA394375558.

ClinVar aggregate classification (germline): Uncertain significance (1 of 4 stars; one submission).

Conditions:
Developmental and epileptic encephalopathy, 1 (DEE1). Also called: X-linked infantile spasms; West's syndrome; Tonic spasms with clustering, arrest of psychomotor development and hypsarrhythmia on EEG; X-Linked Infantile Spasm Syndrome; OHTAHARA SYNDROME, X-LINKED; INFANTILE SPASM SYNDROME, X-LINKED 1. Identifiers: MedGen C3463992, MONDO:0010632, OMIM 308350. Disease mechanism: loss of function.
Autosomal dominant nonsyndromic hearing loss 65. Also called: TBC1D24-Related Autosomal Dominant Nonsyndromic Hearing Loss (DFNA); Deafness, autosomal dominant 65. Identifiers: Orphanet 90635, MedGen C3892048, MONDO:0014470, OMIM 616044.

Submission:

Labcorp Genetics (formerly Invitae), Labcorp
Classification: Uncertain significance for Developmental and epileptic encephalopathy, 1; Autosomal dominant nonsyndromic hearing loss 65. Last evaluated: 2023-10-24. Review status: criteria provided, single submitter. Criteria: Invitae Variant Classification Sherloc (09022015). Collection method: clinical testing. Allele origin: germline.
Comment: This sequence change replaces glutamic acid, which is acidic and polar, with aspartic acid, which is acidic and polar, at codon 111 of the TBC1D24 protein (p.Glu111Asp). This variant is not present in population databases (gnomAD no frequency). This variant has not been reported in the literature in individuals affected with TBC1D24-related conditions. ClinVar contains an entry for this variant (Variation ID: 1718703). Advanced modeling of protein sequence and biophysical properties (such as structural, functional, and spatial information, amino acid conservation, physicochemical variation, residue mobility, and thermodynamic stability) performed at Invitae indicates that this missense variant is not expected to disrupt TBC1D24 protein function with a negative predictive value of 80%. In summary, the available evidence is currently insufficient to determine the role of this variant in disease. Therefore, it has been classified as a Variant of Uncertain Significance.